The following is an entry in ClinVar:

ClinVar aggregate classification (germline): Uncertain significance (1 of 4 stars; one submission).

Conditions:
Inborn genetic diseases. Identifiers: MedGen C0950123, MeSH D030342.

Allele frequency attached by ClinVar (database versions not stated): gnomAD 0.00001.
gnomAD v4.1: 23 of 1,579,246 alleles (0.0015%); highest among the groups gnomAD compares: Middle Eastern, 0.017%; no homozygotes.

Submission:

Ambry Genetics
Classification: Uncertain significance for Inborn genetic diseases. Last evaluated: 2022-07-24. Review status: criteria provided, single submitter. Criteria: Ambry Variant Classification Scheme 2023. Collection method: clinical testing. Allele origin: germline.
Comment: Occurs in the last base pair of the exon Based on insufficient or conflicting evidence, the clinical significance of this alteration remains unclear.

NM_001277062.2(MFF):c.-40-843G>A

Gene: MFF (mitochondrial fission factor; plus strand). Cytogenetic location: 2q36.3.
Variant type: single nucleotide variant.
Coding change: c.-40-843G>A on transcript NM_001277062.2 (MANE Select); 843 bases into the intron before 40 bases upstream of the start codon, G replaced by A.
Molecular consequence: intron variant. On other transcripts: missense variant (2), 5 prime UTR variant (1).
Genome position (GRCh38, 1-based): chr2:227,329,783, G>A. VCF-style: chr2-227329783-G-A. GRCh37 (hg19) VCF-style: chr2-228194499-G-A.
Other names: c.38G>A, p.Arg13Lys (NM_001277061.2, NM_020194.5); c.-36G>A (NM_001277067.1); c.-40-843G>A (NM_001277063.2, NM_001277064.2, NM_001277065.2 and 2 more transcripts); short protein forms R13K.
Identifiers: ClinVar variation 3125670 (VCV003125670.1), dbSNP rs1173382920, ClinGen allele CA2147735.